The following is an entry in ClinVar:

NM_002454.3(MTRR):c.402-1G>C

Gene: MTRR (5-methyltetrahydrofolate-homocysteine methyltransferase reductase; plus strand). Cytogenetic location: 5p15.31.
Variant type: single nucleotide variant.
Coding change: c.402-1G>C on transcript NM_002454.3 (MANE Select); the canonical splice acceptor site of the intron before coding-DNA position 402, G replaced by C.
Molecular consequence: splice acceptor variant.
Genome position (GRCh38, 1-based): chr5:7,877,943, G>C. VCF-style: chr5-7877943-G-C. GRCh37 (hg19) VCF-style: chr5-7878056-G-C.
Other names: c.402-1G>C (NM_001364441.2, NM_001364442.2, NM_024010.4 and 1 more transcripts).
Identifiers: ClinVar variation 2756482 (VCV002756482.3), dbSNP rs1734858651, ClinGen allele CA359156656.

ClinVar aggregate classification (germline): Likely pathogenic (1 of 4 stars; one submission).

Conditions:
Methylcobalamin deficiency type cblE (HMAE). Also called: VITAMIN B12-RESPONSIVE HOMOCYSTINURIA, cblE TYPE; HOMOCYSTINURIA-MEGALOBLASTIC ANEMIA, cblE COMPLEMENTATION TYPE; HOMOCYSTINURIA-MEGALOBLASTIC ANEMIA, cblE TYPE. Identifiers: Orphanet 2169, Orphanet 622, MedGen C1856057, MONDO:0009354, OMIM 236270.

Submission:

Labcorp Genetics (formerly Invitae), Labcorp
Classification: Likely pathogenic for Methylcobalamin deficiency type cblE. Last evaluated: 2023-08-30. Review status: criteria provided, single submitter. Criteria: Invitae Variant Classification Sherloc (09022015). Collection method: clinical testing. Allele origin: germline.
Comment: This sequence change affects an acceptor splice site in intron 4 of the MTRR gene. It is expected to disrupt RNA splicing. Variants that disrupt the donor or acceptor splice site typically lead to a loss of protein function (PMID: 16199547), and loss-of-function variants in MTRR are known to be pathogenic (PMID: 15714522). This variant is not present in population databases (gnomAD no frequency). This variant has not been reported in the literature in individuals affected with MTRR-related conditions. Algorithms developed to predict the effect of sequence changes on RNA splicing suggest that this variant may disrupt the consensus splice site. In summary, the currently available evidence indicates that the variant is pathogenic, but additional data are needed to prove that conclusively. Therefore, this variant has been classified as Likely Pathogenic.

Literature cited by the submitters: PubMed 16199547; PubMed 15714522.